The following is an entry in ClinVar:

NM_000448.3(RAG1):c.1554C>A (p.His518Gln)

Gene: RAG1 (recombination activating 1; plus strand). Cytogenetic location: 11p12.
Variant type: single nucleotide variant.
Coding change: c.1554C>A on transcript NM_000448.3 (MANE Select); coding-DNA position 1554, C replaced by A.
Protein change: p.His518Gln; replaces histidine 518 with glutamine.
Molecular consequence: missense variant.
Genome position (GRCh38, 1-based): chr11:36,574,858, C>A. VCF-style: chr11-36574858-C-A. GRCh37 (hg19) VCF-style: chr11-36596408-C-A.
Other names: c.1554C>A, p.His518Gln (NM_001377277.1, NM_001377278.1, NM_001377279.1 and 1 more transcripts); short protein forms H518Q.
Identifiers: ClinVar variation 1443110 (VCV001443110.6), dbSNP rs750551821, ClinGen allele CA380152776.

ClinVar aggregate classification (germline): Uncertain significance (1 of 4 stars; one submission).

Conditions:
Combined immunodeficiency with skin granulomas. Identifiers: Orphanet 157949, MedGen C2673536, MONDO:0009306, OMIM 233650.
Severe combined immunodeficiency, autosomal recessive, T cell-negative, B cell-negative, NK cell-positive. Also called: SCID, T CELL-NEGATIVE, B CELL-NEGATIVE, NK CELL-POSITIVE; SCID, AR, T-cell negative, B-cell negative, NK cell-positive; Severe combined immunodeficiency due to complete RAG1/2 deficiency. Identifiers: Orphanet 331206, MedGen C1832322, MONDO:0011086, OMIM 601457.

Submission:

Labcorp Genetics (formerly Invitae), Labcorp
Classification: Uncertain significance for Combined immunodeficiency with skin granulomas; Severe combined immunodeficiency, autosomal recessive, T cell-negative, B cell-negative, NK cell-positive. Last evaluated: 2021-09-21. Review status: criteria provided, single submitter. Criteria: Invitae Variant Classification Sherloc (09022015). Collection method: clinical testing. Allele origin: germline.
Comment: In summary, the available evidence is currently insufficient to determine the role of this variant in disease. Therefore, it has been classified as a Variant of Uncertain Significance. Advanced modeling of protein sequence and biophysical properties (such as structural, functional, and spatial information, amino acid conservation, physicochemical variation, residue mobility, and thermodynamic stability) performed at Invitae indicates that this missense variant is expected to disrupt RAG1 protein function. This variant has not been reported in the literature in individuals affected with RAG1-related conditions. This variant is not present in population databases (ExAC no frequency). This sequence change replaces histidine with glutamine at codon 518 of the RAG1 protein (p.His518Gln). The histidine residue is highly conserved and there is a small physicochemical difference between histidine and glutamine.